The following is an entry in ClinVar:

ClinVar aggregate classification (germline): Uncertain significance (1 of 4 stars; one submission).

Conditions:
Early Myoclonic Encephalopathy. Identifiers: MedGen C0270855.

Allele frequency attached by ClinVar (database versions not stated): gnomAD exomes below 0.00001.
gnomAD v4.1: 2 of 1,613,342 alleles (0.00012%); highest among the groups gnomAD compares: Non-Finnish European, 0.00017%; no homozygotes.

Submission:

Labcorp Genetics (formerly Invitae), Labcorp
Classification: Uncertain significance for Early Myoclonic Encephalopathy. Last evaluated: 2020-09-01. Review status: criteria provided, single submitter. Criteria: Invitae Variant Classification Sherloc (09022015). Collection method: clinical testing. Allele origin: germline.
Comment: In summary, the available evidence is currently insufficient to determine the role of this variant in disease. Therefore, it has been classified as a Variant of Uncertain Significance. Algorithms developed to predict the effect of missense changes on protein structure and function are either unavailable or do not agree on the potential impact of this missense change (SIFT: "Deleterious"; PolyPhen-2: "Benign"; Align-GVGD: "Class C0"). This variant has not been reported in the literature in individuals with JMJD1C-related conditions. This variant is not present in population databases (ExAC no frequency). This sequence change replaces valine with isoleucine at codon 178 of the JMJD1C protein (p.Val178Ile). The valine residue is moderately conserved and there is a small physicochemical difference between valine and isoleucine.

NM_032776.3(JMJD1C):c.532G>A (p.Val178Ile)

Gene: JMJD1C (jumonji domain containing 1C; minus strand). Cytogenetic location: 10q21.3.
Variant type: single nucleotide variant.
Coding change: c.532G>A on transcript NM_032776.3 (MANE Select); coding-DNA position 532, G replaced by A.
Protein change: p.Val178Ile; replaces valine 178 with isoleucine.
Molecular consequence: missense variant. On other transcripts: 5 prime UTR variant (3), intron variant (2).
Genome position (GRCh38, 1-based): chr10:63,219,899, C>T on the plus strand (G>A on the coding strand, the complement: JMJD1C is on the minus strand). VCF-style: chr10-63219899-C-T. GRCh37 (hg19) VCF-style: chr10-64979659-C-T.
Other names: c.-15G>A (NM_001282948.2, NM_001318154.2); c.-337G>A (NM_001318153.2); c.418G>A, p.Val140Ile (NM_001322252.2); c.-104-2568G>A (NM_001322258.2, NM_001322254.2); short protein forms V140I, V178I.
Identifiers: ClinVar variation 1023821 (VCV001023821.8), dbSNP rs377618960, ClinGen allele CA377053976.